The following is an entry in ClinVar:

NC_000016.9:g.(?_89824975)_(89842233_?)del

Gene: FANCA (FA complementation group A; minus strand). Cytogenetic location: 16q24.3.
Variant type: Deletion.
Identifiers: ClinVar variation 1071363 (VCV001071363.8).

ClinVar aggregate classification (germline): Pathogenic (1 of 4 stars; one submission).

Conditions:
Fanconi anemia (FA). Also called: Fanconi's anemia. Identifiers: Orphanet 84, MedGen C0015625, MeSH D005199, MONDO:0019391.

Submission:

Labcorp Genetics (formerly Invitae), Labcorp
Classification: Pathogenic for Fanconi anemia. Last evaluated: 2022-09-14. Review status: criteria provided, single submitter. Criteria: Invitae Variant Classification Sherloc (09022015). Collection method: clinical testing. Allele origin: germline.
Comment: For these reasons, this variant has been classified as Pathogenic. The region of the FANCA gene that includes exon(s) 21-29 has been determined to be clinically significant (PMID: 21273304; Invitae). Therefore, deletions that encompass that region are likely to be disease-causing. This variant has not been reported in the literature in individuals affected with FANCA-related conditions. This variant is a gross deletion of the genomic region encompassing exon(s) 21-30 of the FANCA gene. This variant would be expected to be in-frame, preserving the integrity of the reading frame.

Literature cited by the submitters: PubMed 21273304.